The following is an entry in ClinVar:

NM_000116.5(TAFAZZIN):c.238+6C>T

Gene: TAFAZZIN (tafazzin, phospholipid-lysophospholipid transacylase; plus strand). Cytogenetic location: Xq28.
Variant type: single nucleotide variant.
Coding change: c.238+6C>T on transcript NM_000116.5 (MANE Select); 6 bases into the intron after coding-DNA position 238, C replaced by T.
Molecular consequence: intron variant.
Genome position (GRCh38, 1-based): chrX:154,412,220, C>T. VCF-style: chrX-154412220-C-T. GRCh37 (hg19) VCF-style: chrX-153640557-C-T.
Other names: c.292+6C>T (NM_001303465.2); c.238+6C>T (NM_181312.4, NM_181311.4, NM_181313.4).
Identifiers: ClinVar variation 660945 (VCV000660945.8), dbSNP rs781786197, ClinGen allele CA10562286.
Genomic context (GRCh38, chrX:154,412,220, plus strand): 5'-CCCCTCATCACCGTGTCCAATCACCAGTCCTGCATGGACGACCCTCATCTCTGGGGTACC[C>T]GGGCCAGTGTGCTGGGCAGGGGGAGGAAAGGCGAGGATTCGGGACGGGCCCAGCCTCGTC-3'

ClinVar aggregate classification (germline): Conflicting classifications of pathogenicity. Review status: criteria provided, conflicting classifications (1 of 4 stars). 3 submissions from 3 submitters: Uncertain significance (1); Likely benign (2). Last evaluated 2024-11-15.

Conditions:
TAFAZZIN-related disorder. Also called: TAFAZZIN-related condition; TAFAZZIN-Related Disorders.
3-Methylglutaconic aciduria type 2 (BTHS). Also called: CARDIOSKELETAL MYOPATHY WITH NEUTROPENIA AND ABNORMAL MITOCHONDRIA; Barth syndrome. Identifiers: Orphanet 111, MedGen C0574083, MONDO:0010543, OMIM 302060.

Allele frequency attached by ClinVar (database versions not stated): gnomAD exomes 0.00001; TOPMed 0.00001; ExAC 0.00003.
gnomAD v4.1: 8 of 1,194,130 alleles (0.00067%); highest among the groups gnomAD compares: Non-Finnish European, 0.0009%; no homozygotes.

Submissions (3):

PreventionGenetics, part of Exact Sciences
Classification: Likely benign for TAFAZZIN-related condition. Last evaluated: 2024-11-15. Review status: criteria provided, single submitter. Criteria: ACMG Guidelines, 2015. Collection method: clinical testing. Allele origin: germline.
Comment: This variant is classified as likely benign based on ACMG/AMP sequence variant interpretation guidelines (Richards et al. 2015 PMID: 25741868, with internal and published modifications).

Labcorp Genetics (formerly Invitae), Labcorp
Classification: Uncertain significance for 3-Methylglutaconic aciduria type 2. Last evaluated: 2024-03-20. Review status: criteria provided, single submitter. Criteria: Invitae Variant Classification Sherloc (09022015). Collection method: clinical testing. Allele origin: germline.
Comment: This sequence change falls in intron 2 of the TAZ gene. It does not directly change the encoded amino acid sequence of the TAZ protein. It affects a nucleotide within the consensus splice site. The frequency data for this variant in the population databases is considered unreliable, as metrics indicate poor data quality at this position in the gnomAD database. This variant has not been reported in the literature in individuals affected with TAZ-related conditions. ClinVar contains an entry for this variant (Variation ID: 660945). Variants that disrupt the consensus splice site are a relatively common cause of aberrant splicing (PMID: 17576681, 9536098). Algorithms developed to predict the effect of sequence changes on RNA splicing suggest that this variant is not likely to affect RNA splicing. In summary, the available evidence is currently insufficient to determine the role of this variant in disease. Therefore, it has been classified as a Variant of Uncertain Significance.

Blueprint Genetics
Classification: Likely benign. Last evaluated: 2023-03-02. Review status: criteria provided, single submitter. Criteria: ACMG Guidelines, 2015. Collection method: clinical testing. Allele origin: germline.

Literature cited by the submitters: PubMed 17576681 (cited by Labcorp Genetics (formerly Invitae), Labcorp); PubMed 9536098 (cited by Labcorp Genetics (formerly Invitae), Labcorp).